The following is an entry in ClinVar:

NM_015981.4(CAMK2A):c.943+4G>T

Gene: CAMK2A (calcium/calmodulin dependent protein kinase II alpha; minus strand). Cytogenetic location: 5q32.
Variant type: single nucleotide variant.
Coding change: c.943+4G>T on transcript NM_015981.4 (MANE Select); 4 bases into the intron after coding-DNA position 943, G replaced by T.
Molecular consequence: intron variant.
Genome position (GRCh38, 1-based): chr5:150,247,768, C>A on the plus strand (G>T on the coding strand, the complement: CAMK2A is on the minus strand). VCF-style: chr5-150247768-C-A. GRCh37 (hg19) VCF-style: chr5-149627331-C-A.
Other names: c.943+4G>T (NM_001363990.1, NM_001363989.1, NM_171825.3 and 1 more transcripts).
Identifiers: ClinVar variation 2279545 (VCV002279545.2), dbSNP rs373109150, ClinGen allele CA129147463.

ClinVar aggregate classification (germline): Uncertain significance (1 of 4 stars; one submission).

Conditions:
Inborn genetic diseases. Identifiers: MedGen C0950123, MeSH D030342.

gnomAD v4.1: 55 of 1,610,392 alleles (0.0034%); highest among the groups gnomAD compares: Non-Finnish European, 0.0046%; no homozygotes.

Submission:

Ambry Genetics
Classification: Uncertain significance for Inborn genetic diseases. Last evaluated: 2022-04-28. Review status: criteria provided, single submitter. Criteria: Ambry Variant Classification Scheme 2023. Collection method: clinical testing. Allele origin: germline.
Comment: The c.943+4G>T intronic alteration consists of a G to T substitution nucleotides after coding exon 12 in the CAMK2A gene. Based on insufficient or conflicting evidence, the clinical significance of this alteration remains unclear.